The following is an entry in ClinVar:

ClinVar aggregate classification (germline): Likely benign. Review status: criteria provided, multiple submitters, no conflicts (2 of 4 stars). 6 submissions from 6 submitters: Likely benign (3). 3 of the submissions do not count toward it. Last evaluated 2026-01-17.

Conditions:
IFT140-related disorder. Also called: IFT140-related condition.
Retinitis pigmentosa 80 (RP80). Identifiers: MedGen C4540439, MONDO:0054708, OMIM 617781.
Saldino-Mainzer syndrome (SRTD9). Also called: CONORENAL SYNDROME; short-rib thoracic dysplasia 9 with or without polydactyly; Renal dysplasia, retinal pigmentary dystrophy, cerebellar ataxia and skeletal dysplasia; SHORT-RIB THORACIC DYSPLASIA 9 WITHOUT POLYDACTYLY. Identifiers: Orphanet 140969, MedGen C1849437, MONDO:0009964, OMIM 266920.

Allele frequency attached by ClinVar (database versions not stated): gnomAD exomes 0.00013 and 0.00019; ExAC 0.00019; 1000 Genomes Project 0.00020; gnomAD 0.00029; 1000 Genomes Project 30x 0.00031; TOPMed 0.00059.
gnomAD v4.1: 246 of 1,612,774 alleles (0.015%); highest among the groups gnomAD compares: Admixed American, 0.11%; 1 homozygote.

Submissions (6):

Labcorp Genetics (formerly Invitae), Labcorp
Classification: Likely benign for Saldino-Mainzer syndrome. Last evaluated: 2026-01-17. Review status: criteria provided, single submitter. Criteria: Invitae Variant Classification Sherloc (09022015). Collection method: clinical testing. Allele origin: germline.

Blueprint Genetics
Classification: Likely benign. Last evaluated: 2024-02-12. Review status: criteria provided, single submitter. Criteria: ACMG Guidelines, 2015. Collection method: clinical testing. Allele origin: germline.

Fulgent Genetics
Classification: Likely benign for Saldino-Mainzer syndrome; Retinitis pigmentosa 80. Last evaluated: 2021-10-05. Review status: criteria provided, single submitter. Criteria: ACMG Guidelines, 2015. Collection method: clinical testing. Allele origin: unknown.

PreventionGenetics, part of Exact Sciences
Classification: Likely benign for IFT140-related condition. Last evaluated: 2019-02-25. Review status: no assertion criteria provided. Collection method: clinical testing. Allele origin: germline. Not counted in ClinVar's aggregate classification.
Comment: This variant is classified as likely benign based on ACMG/AMP sequence variant interpretation guidelines (Richards et al. 2015 PMID: 25741868, with internal and published modifications).

Clinical Genetics DNA and cytogenetics Diagnostics Lab, Erasmus MC, Erasmus Medical Center
Classification: Likely benign. Review status: no assertion criteria provided. Collection method: clinical testing. Allele origin: germline. Affected: yes. Study: VKGL Data-share Consensus. Not counted in ClinVar's aggregate classification.

Clinical Genetics, Academic Medical Center
Classification: Benign. Review status: no assertion criteria provided. Collection method: clinical testing. Allele origin: germline. Affected: yes. Study: VKGL Data-share Consensus. Not counted in ClinVar's aggregate classification.

NM_014714.4(IFT140):c.3426G>A (p.Ala1142=)

Gene: IFT140 (intraflagellar transport 140; minus strand). Cytogenetic location: 16p13.3.
Variant type: single nucleotide variant.
Coding change: c.3426G>A on transcript NM_014714.4 (MANE Select); coding-DNA position 3426, G replaced by A.
Protein change: p.Ala1142=; no amino-acid change (alanine 1142 retained).
Molecular consequence: synonymous variant.
Genome position (GRCh38, 1-based): chr16:1,523,545, C>T on the plus strand (G>A on the coding strand, the complement: IFT140 is on the minus strand). VCF-style: chr16-1523545-C-T. GRCh37 (hg19) VCF-style: chr16-1573546-C-T.
Identifiers: ClinVar variation 771588 (VCV000771588.18), dbSNP rs202224171, ClinGen allele CA7813175.
Genomic context (GRCh38, chr16:1,523,545, plus strand): 5'-TGGAGCCGAGCCCAGGCCCCGCTGGCCCCGTACCTTCCTGGCAGCCAGCAGCAGCTCTAC[C>T]GCCCTCTCGTACTGACTGTGCTCGATGAAGAAGTCGGAGCAGCGGGCCAGGAGCGCAGGG-3'
Protein context (NP_055529.2, residues 1132-1152): FFIEHSQYER[Ala1142=]VELLLAARKY